The following is an entry in ClinVar:

NM_002474.3(MYH11):c.4058A>T (p.Asp1353Val)

Genes: NDE1 (nudE neurodevelopment protein 1; plus strand), MYH11 (myosin heavy chain 11; minus strand). Cytogenetic location: 16p13.11.
Variant type: single nucleotide variant.
Coding change: c.4058A>T on transcript NM_002474.3 (MANE Select); coding-DNA position 4058, A replaced by T.
Protein change: p.Asp1353Val; replaces aspartic acid 1353 with valine.
Molecular consequence: missense variant. On other transcripts: 3 prime UTR variant (2).
Genome position (GRCh38, 1-based): chr16:15,724,705, T>A on the plus strand (A>T on the coding strand, the complement: MYH11 is on the minus strand). VCF-style: chr16-15724705-T-A. GRCh37 (hg19) VCF-style: chr16-15818562-T-A.
Other names: c.4079A>T, p.Asp1360Val (NM_001040113.2, NM_001040114.2); c.4058A>T, p.Asp1353Val (NM_022844.3); c.*454T>A (NM_001143979.2, NM_017668.3); short protein forms D1353V, D1360V.
Identifiers: ClinVar variation 2563076 (VCV002563076.2), dbSNP rs2506143852, ClinGen allele CA394858256.
Genomic context (GRCh38, chr16:15,724,705, plus strand): 5'-ACCTGGATGTTGAGAGTGGAGATGTGGCGCTCCAGGTTCTGCTTGGCCTCCATCTCCTCG[T>A]CCAGCTGGTCTTGCAGGCTGTTCCGCTCCTCCTCCAGCTGGCGCAGCTTCGTAGACACGT-3'
Protein context (NP_002465.1, residues 1343-1363): EERNSLQDQL[Asp1353Val]EEMEAKQNLE

ClinVar aggregate classification (germline): Uncertain significance (1 of 4 stars; one submission).

Conditions:
Familial thoracic aortic aneurysm and aortic dissection (TAAD). Also called: Thoracic aortic aneurysms and dissections. Identifiers: Orphanet 91387, MedGen C4707243, MONDO:0019625.

Submission:

Ambry Genetics
Classification: Uncertain significance for Familial thoracic aortic aneurysm and aortic dissection. Last evaluated: 2023-05-21. Review status: criteria provided, single submitter. Criteria: Ambry Variant Classification Scheme 2023. Collection method: clinical testing. Allele origin: germline.
Comment: The p.D1353V variant (also known as c.4058A>T), located in coding exon 29 of the MYH11 gene, results from an A to T substitution at nucleotide position 4058. The aspartic acid at codon 1353 is replaced by valine, an amino acid with highly dissimilar properties. This amino acid position is conserved. In addition, the in silico prediction for this alteration is inconclusive. Since supporting evidence is limited at this time, the clinical significance of this alteration remains unclear.